The following is an entry in ClinVar:

ClinVar aggregate classification (germline): Likely benign (1 of 4 stars; one submission).

Conditions:
PDE4D-related disorder. Also called: PDE4D-related condition.

gnomAD v4.1: 177 of 1,599,324 alleles (0.011%); highest among the groups gnomAD compares: African/African-American, 0.22%; 1 homozygote.

Submission:

PreventionGenetics, part of Exact Sciences
Classification: Likely benign for PDE4D-related condition. Last evaluated: 2026-06-29. Review status: criteria provided, single submitter. Criteria: ACMG Guidelines, 2015. Collection method: clinical testing. Allele origin: germline.
Comment: This variant is classified as likely benign based on ACMG/AMP sequence variant interpretation guidelines (Richards et al. 2015 PMID: 25741868, with internal and published modifications).

NM_001349241.2(PDE4D):c.78T>C (p.Tyr26=)

Gene: PDE4D (phosphodiesterase 4D; minus strand). Cytogenetic location: 5q12.1.
Variant type: single nucleotide variant.
Coding change: c.78T>C on transcript NM_001349241.2; coding-DNA position 78, T replaced by C.
Protein change: p.Tyr26=; no amino-acid change (tyrosine 26 retained).
Molecular consequence: synonymous variant. On other transcripts: 5 prime UTR variant (1).
Genome position (GRCh38, 1-based): chr5:59,988,652, A>G on the plus strand (T>C on the coding strand, the complement: PDE4D is on the minus strand). VCF-style: chr5-59988652-A-G. GRCh37 (hg19) VCF-style: chr5-59284479-A-G.
Other names: c.-404T>C (NM_001349243.2); c.108T>C, p.Tyr36= (NM_001364599.1, NM_001364600.2, NM_001165899.2).
Identifiers: ClinVar variation 4980433 (VCV004980433.1).